The following is an entry in ClinVar:

ClinVar aggregate classification (germline): Likely benign. Review status: criteria provided, multiple submitters, no conflicts (2 of 4 stars). 5 submissions from 5 submitters: Likely benign (5). Last evaluated 2026-03-15.

Conditions:
Cardiovascular phenotype. Identifiers: MedGen CN230736.
Cardiomyopathy (CMYO). Also called: Cardiomyopathies. Identifiers: Orphanet 167848, MedGen C0878544, MONDO:0004994, HP:0001638. Inheritance: Various modes of inheritance.
Hypertrophic cardiomyopathy. Also called: HYPERTROPHIC MYOCARDIOPATHY. Identifiers: Orphanet 217569, MedGen C0007194, MeSH D002312, MONDO:0005045, HP:0001639.

Allele frequency attached by ClinVar (database versions not stated): ESP Exome Variant Server 0.00008; gnomAD exomes 0.00001 and below 0.00001; ExAC 0.00001.
gnomAD v4.1: 6 of 1,614,284 alleles (0.00037%); highest among the groups gnomAD compares: Non-Finnish European, 0.00051%; no homozygotes.

Submissions (5):

Ambry Genetics
Classification: Likely benign for Cardiovascular phenotype. Last evaluated: 2026-03-15. Review status: criteria provided, single submitter. Criteria: Ambry Variant Classification Scheme 2023. Collection method: clinical testing. Allele origin: germline.

Labcorp Genetics (formerly Invitae), Labcorp
Classification: Likely benign for Hypertrophic cardiomyopathy. Last evaluated: 2026-01-10. Review status: criteria provided, single submitter. Criteria: Invitae Variant Classification Sherloc (09022015). Collection method: clinical testing. Allele origin: germline.

All of Us Research Program, National Institutes of Health
Classification: Likely benign for Hypertrophic cardiomyopathy. Last evaluated: 2023-11-20. Review status: criteria provided, single submitter. Criteria: ACMG Guidelines, 2015. Collection method: clinical testing. Allele origin: germline. Inheritance: Autosomal dominant inheritance. Observed: 4 variant alleles, 4 heterozygotes.
Comment: This study involves interpretation of variants in research participants for the purpose of population health screening. Participant phenotype was not available at the time of variant classification. Additional details can be found in publication PMID: 35346344, PMCID: PMC8962531

Color Diagnostics, LLC DBA Color Health
Classification: Likely benign for Cardiomyopathy. Last evaluated: 2021-06-28. Review status: criteria provided, single submitter. Criteria: ACMG Guidelines, 2015. Collection method: clinical testing. Allele origin: germline.

Laboratory for Molecular Medicine, Mass General Brigham Personalized Medicine
Classification: Likely benign. Last evaluated: 2014-01-21. Review status: criteria provided, single submitter. Criteria: LMM Criteria. Collection method: clinical testing. Allele origin: germline. Observed: 1 variant allele.
Comment: Leu256Leu in exon 8 of TPM1: This variant is not expected to have clinical signi ficance because it does not alter an amino acid residue and is not located withi n the splice consensus sequence. It has been identified in 1/8600 European Ameri can chromosomes from a broad population by the NHLBI Exome Sequencing Project (dbSNP rs139650306). Leu256Leu in exon 8 of TPM 1 (rs139650306; allele frequency = 1/8600) **

NM_001018005.2(TPM1):c.768A>G (p.Leu256=)

Gene: TPM1 (tropomyosin 1; plus strand). Cytogenetic location: 15q22.2.
Variant type: single nucleotide variant.
Coding change: c.768A>G on transcript NM_001018005.2 (MANE Select); coding-DNA position 768, A replaced by G.
Protein change: p.Leu256=; no amino-acid change (leucine 256 retained).
Molecular consequence: synonymous variant.
Genome position (GRCh38, 1-based): chr15:63,062,641, A>G. VCF-style: chr15-63062641-A-G. GRCh37 (hg19) VCF-style: chr15-63354840-A-G.
Other names: c.768A>G, p.Leu256= (NM_000366.6, NM_001018004.2, NM_001018006.2 and 6 more transcripts); c.660A>G, p.Leu220= (NM_001018008.2, NM_001301289.2, NM_001330344.2 and 5 more transcripts); c.894A>G, p.Leu298= (NM_001365778.1).
Identifiers: ClinVar variation 178147 (VCV000178147.13), dbSNP rs139650306, ClinGen allele CA018333.